The following is an entry in ClinVar:

NM_001267550.2(TTN):c.90605dup (p.Tyr30202Ter)

Genes: TTN-AS1 (TTN antisense RNA 1; plus strand), TTN (titin; minus strand). Cytogenetic location: 2q31.2.
Variant type: Duplication.
Coding change: c.90605dup on transcript NM_001267550.2 (MANE Select); coding-DNA position 90605, one base duplicated (A; older notation c.90605dupA).
Protein change: p.Tyr30202Ter; replaces tyrosine 30202 with a stop codon.
Molecular consequence: nonsense.
Genome position (GRCh38, 1-based): chr2:178,552,295, T duplicated on the plus strand (A on the coding strand, the reverse complement: TTN is on the minus strand). VCF-style (leftmost placement, unchanged base first): chr2-178552294-G-GT. GRCh37 (hg19) VCF-style: chr2-179417021-G-GT.
Other names: c.85682dup, p.Tyr28561Ter (NM_001256850.1); c.63410dup, p.Tyr21137Ter (NM_003319.4); c.82901dup, p.Tyr27634Ter (NM_133378.4); c.63785dup, p.Tyr21262Ter (NM_133432.3); c.63986dup, p.Tyr21329Ter (NM_133437.4); short protein forms Y21137*, Y21262*, Y21329*, Y27634*, Y28561*, Y30202*.
Identifiers: ClinVar variation 1067638 (VCV001067638.17), dbSNP rs2154151177, ClinGen allele CA2499215319.

ClinVar aggregate classification (germline): Likely pathogenic. Review status: criteria provided, multiple submitters, no conflicts (2 of 4 stars). 2 submissions from 2 submitters: Likely pathogenic (2). Last evaluated 2025-08-01.

Conditions:
Autosomal recessive limb-girdle muscular dystrophy type 2J (LGMDR10). Also called: Limb-girdle muscular dystrophy, type 2J; MUSCULAR DYSTROPHY, LIMB-GIRDLE, AUTOSOMAL RECESSIVE 10. Identifiers: Orphanet 140922, MedGen C1837342, MONDO:0012127, OMIM 608807.
Dilated cardiomyopathy 1G (CMD1G). Identifiers: Orphanet 154, MedGen C1858763, MONDO:0011400, OMIM 604145.

Submissions (2):

CeGaT Center for Human Genetics Tuebingen
Classification: Likely pathogenic. Last evaluated: 2025-08-01. Review status: criteria provided, single submitter. Criteria: CeGaT Center For Human Genetics Tuebingen Variant Classification Criteria Version 2. Collection method: clinical testing. Allele origin: germline. Affected: yes. Observed: 1 variant allele.
Comment: TTN: PVS1:Strong, PM2

Labcorp Genetics (formerly Invitae), Labcorp
Classification: Likely pathogenic for Dilated cardiomyopathy 1G; Autosomal recessive limb-girdle muscular dystrophy type 2J. Last evaluated: 2024-12-27. Review status: criteria provided, single submitter. Criteria: Invitae Variant Classification Sherloc (09022015). Collection method: clinical testing. Allele origin: germline.
Comment: This sequence change creates a premature translational stop signal (p.Tyr30202*) in the TTN gene. While this is not anticipated to result in nonsense mediated decay, it is expected to create a truncated TTN protein. This variant is not present in population databases (gnomAD no frequency). This variant has not been reported in the literature in individuals affected with TTN-related conditions. ClinVar contains an entry for this variant (Variation ID: 1067638). This variant is located in the A band of TTN (PMID: 25589632). Truncating variants in this region are significantly overrepresented in patients affected with dilated cardiomyopathy (PMID: 25589632). Truncating variants in this region have also been reported in individuals affected with autosomal recessive centronuclear myopathy (PMID: 23975875). In summary, the currently available evidence indicates that the variant is pathogenic, but additional data are needed to prove that conclusively. Therefore, this variant has been classified as Likely Pathogenic.

Literature cited by the submitters: PubMed 25589632 (cited by Labcorp Genetics (formerly Invitae), Labcorp); PubMed 23975875 (cited by Labcorp Genetics (formerly Invitae), Labcorp).